The following is an entry in ClinVar:

ClinVar aggregate classification (germline): Conflicting classifications of pathogenicity. Review status: criteria provided, conflicting classifications (1 of 4 stars). 5 submissions from 5 submitters: Uncertain significance (1); Likely benign (4). Last evaluated 2025-09-21.

Conditions:
Cardiovascular phenotype. Identifiers: MedGen CN230736.
Autosomal recessive limb-girdle muscular dystrophy type 2J (LGMDR10). Also called: Limb-girdle muscular dystrophy, type 2J; MUSCULAR DYSTROPHY, LIMB-GIRDLE, AUTOSOMAL RECESSIVE 10. Identifiers: Orphanet 140922, MedGen C1837342, MONDO:0012127, OMIM 608807.
Dilated cardiomyopathy 1G (CMD1G). Identifiers: Orphanet 154, MedGen C1858763, MONDO:0011400, OMIM 604145.

Allele frequency attached by ClinVar (database versions not stated): TOPMed below 0.00001; ExAC 0.00001.
gnomAD v4.1: 21 of 1,611,356 alleles (0.0013%); highest among the groups gnomAD compares: South Asian, 0.0022%; no homozygotes.

Submissions (5):

Ambry Genetics
Classification: Likely benign for Cardiovascular phenotype. Last evaluated: 2025-09-21. Review status: criteria provided, single submitter. Criteria: Ambry Variant Classification Scheme 2023. Collection method: clinical testing. Allele origin: germline.

Labcorp Genetics (formerly Invitae), Labcorp
Classification: Likely benign for Dilated cardiomyopathy 1G; Autosomal recessive limb-girdle muscular dystrophy type 2J. Last evaluated: 2025-02-25. Review status: criteria provided, single submitter. Criteria: Invitae Variant Classification Sherloc (09022015). Collection method: clinical testing. Allele origin: germline.

Blueprint Genetics
Classification: Likely benign. Last evaluated: 2024-09-20. Review status: criteria provided, single submitter. Criteria: ACMG Guidelines, 2015. Collection method: clinical testing. Allele origin: germline.

GeneDx
Classification: Likely benign. Last evaluated: 2017-12-14. Review status: criteria provided, single submitter. Criteria: GeneDx Variant Classification (06012015). Collection method: clinical testing. Allele origin: germline. Affected: yes.
Comment: This variant is considered likely benign or benign based on one or more of the following criteria: it is a conservative change, it occurs at a poorly conserved position in the protein, it is predicted to be benign by multiple in silico algorithms, and/or has population frequency not consistent with disease.

Eurofins Ntd Llc (ga)
Classification: Uncertain significance. Last evaluated: 2017-01-12. Review status: criteria provided, single submitter. Criteria: EGL Classification Definitions 2015. Collection method: clinical testing. Allele origin: germline. Observed: 1 variant allele, 1 heterozygote.

NM_001267550.2(TTN):c.68604C>T (p.Asp22868=)

Genes: TTN (titin; minus strand), TTN-AS1 (TTN antisense RNA 1; plus strand). Cytogenetic location: 2q31.2.
Variant type: single nucleotide variant.
Coding change: c.68604C>T on transcript NM_001267550.2 (MANE Select); coding-DNA position 68604, C replaced by T.
Protein change: p.Asp22868=; no amino-acid change (aspartic acid 22868 retained).
Molecular consequence: synonymous variant.
Genome position (GRCh38, 1-based): chr2:178,577,822, G>A on the plus strand (C>T on the coding strand, the complement: TTN is on the minus strand). VCF-style: chr2-178577822-G-A. GRCh37 (hg19) VCF-style: chr2-179442549-G-A.
Other names: c.63681C>T, p.Asp21227= (NM_001256850.1); c.41409C>T, p.Asp13803= (NM_003319.4); c.60900C>T, p.Asp20300= (NM_133378.4); c.41784C>T, p.Asp13928= (NM_133432.3); c.41985C>T, p.Asp13995= (NM_133437.4).
Identifiers: ClinVar variation 392699 (VCV000392699.11), dbSNP rs750368181, ClinGen allele CA1991066.